The following is an entry in ClinVar:

NC_000004.11:g.(?_128544537)_(129131208_?)del

Genes: INTU (inturned planar cell polarity protein; plus strand), HSPA4L (heat shock protein family A (Hsp70) member 4 like; plus strand), MFSD8 (major facilitator superfamily domain containing 8; minus strand), LARP1B (La ribonucleoprotein 1B; plus strand), ABHD18 (abhydrolase domain containing 18; plus strand) and 2 more. Cytogenetic location: 4q28.1-28.2.
Variant type: Deletion.
Identifiers: ClinVar variation 1069575 (VCV001069575.1).

ClinVar aggregate classification (germline): Pathogenic (1 of 4 stars; one submission).

Conditions:
Neuronal ceroid lipofuscinosis 7 (CLN7). Also called: MFSD8-Related Neuronal Ceroid-Lipofuscinosis. Identifiers: Orphanet 168491, Orphanet 228366, MedGen C1838571, MONDO:0012588, OMIM 610951.

Submission:

Labcorp Genetics (formerly Invitae), Labcorp
Classification: Pathogenic for Neuronal ceroid lipofuscinosis 7. Last evaluated: 2017-11-26. Review status: criteria provided, single submitter. Criteria: Invitae Variant Classification Sherloc (09022015). Collection method: clinical testing. Allele origin: germline.
Comment: A gross deletion of the genomic region encompassing the full coding sequence of the MFSD8 gene has been identified. The boundaries of this event are unknown as the deletion extends beyond the assayed region for this gene and therefore may encompass additional genes. This deletion has not been reported in the literature in individuals with MFSD8-related disease. Loss-of-function variants in MFSD8 are known to be pathogenic (PMID: 19177532). For these reasons, this variant has been classified as Pathogenic.

Literature cited by the submitters: PubMed 19177532.